The following is an entry in ClinVar:

NM_001378454.1(ALMS1):c.11070C>T (p.Gly3690=)

Gene: ALMS1 (ALMS1 centrosome and basal body associated protein; plus strand). Cytogenetic location: 2p13.1.
Variant type: single nucleotide variant.
Coding change: c.11070C>T on transcript NM_001378454.1 (MANE Select); coding-DNA position 11070, C replaced by T.
Protein change: p.Gly3690=; no amino-acid change (glycine 3690 retained).
Molecular consequence: synonymous variant.
Genome position (GRCh38, 1-based): chr2:73,572,947, C>T. VCF-style: chr2-73572947-C-T. GRCh37 (hg19) VCF-style: chr2-73800074-C-T.
Other names: p.Gly3691=; c.11073C>T, p.Gly3691= (NM_015120.4).
Identifiers: ClinVar variation 696419 (VCV000696419.48), dbSNP rs371329585, ClinGen allele CA1715114.

ClinVar aggregate classification (germline): Conflicting classifications of pathogenicity. Review status: criteria provided, conflicting classifications (1 of 4 stars). 8 submissions from 8 submitters: Uncertain significance (4); Likely benign (3). 1 of the submissions does not count toward it. Last evaluated 2026-09-14.

Conditions:
Cardiovascular phenotype. Identifiers: MedGen CN230736.
Alstrom syndrome (ALMS). Identifiers: Orphanet 64, MedGen C0268425, MONDO:0008763, OMIM 203800.

Allele frequency attached by ClinVar (database versions not stated): ExAC 0.00023; gnomAD exomes 0.00023; ESP Exome Variant Server 0.00025; TOPMed 0.00025.
gnomAD v4.1: 310 of 1,613,824 alleles (0.019%); highest among the groups gnomAD compares: African/African-American, 0.045%; no homozygotes.

Submissions (8):

GeneDx
Classification: Uncertain significance. Last evaluated: 2026-09-14. Review status: criteria provided, single submitter. Criteria: GeneDx Variant Classification Process June 2021. Collection method: clinical testing. Allele origin: germline.
Comment: Has not been previously published as pathogenic or benign to our knowledge; In silico analysis suggests this variant may impact gene splicing. In the absence of RNA/functional studies, the actual effect of this sequence change is unknown.

Women's Health and Genetics/Laboratory Corporation of America, LabCorp
Classification: Uncertain significance. Last evaluated: 2026-02-24. Review status: criteria provided, single submitter. Criteria: LabCorp Variant Classification Summary - May 2015. Collection method: clinical testing. Allele origin: germline.
Comment: Variant summary: ALMS1 c.11067C>T results in a synonymous change. Several computational tools predict a significant impact on normal splicing: Five predict the variant creates or strengthens a cryptic 5' donor site. However, these predictions have yet to be confirmed by functional studies. The variant allele was found at a frequency of 0.00023 in 249046 control chromosomes. This frequency is not significantly higher than estimated for disease-causing variants in ALMS1, allowing no conclusion about variant significance. To our knowledge, no occurrence of c.11067C>T in individuals affected with ALMS1-related conditions and no experimental evidence demonstrating its impact on protein function have been reported. ClinVar contains an entry for this variant (Variation ID: 696419). Based on the evidence outlined above, the variant was classified as uncertain significance.

Labcorp Genetics (formerly Invitae), Labcorp
Classification: Likely benign for Alstrom syndrome. Last evaluated: 2026-01-21. Review status: criteria provided, single submitter. Criteria: Invitae Variant Classification Sherloc (09022015). Collection method: clinical testing. Allele origin: germline.

Ambry Genetics
Classification: Uncertain significance for Cardiovascular phenotype. Last evaluated: 2025-12-01. Review status: criteria provided, single submitter. Criteria: Ambry Variant Classification Scheme 2023. Collection method: clinical testing. Allele origin: germline.
Comment: The c.11073C>T variant (also known as p.G3691G), located in coding exon 16 of the ALMS1 gene, results from a C to T substitution at nucleotide position 11073. This nucleotide substitution does not change the glycine at codon 3691. This nucleotide position is poorly conserved in available vertebrate species. In silico splice site analysis for this alteration is inconclusive. Since supporting evidence is limited at this time, the clinical significance of this alteration remains unclear.

Blueprint Genetics
Classification: Likely benign. Last evaluated: 2024-11-11. Review status: criteria provided, single submitter. Criteria: ACMG Guidelines, 2015. Collection method: clinical testing. Allele origin: germline.

CeGaT Center for Human Genetics Tuebingen
Classification: Likely benign. Last evaluated: 2022-07-01. Review status: criteria provided, single submitter. Criteria: CeGaT Center For Human Genetics Tuebingen Variant Classification Criteria Version 2. Collection method: clinical testing. Allele origin: germline. Affected: yes. Observed: 1 variant allele.
Comment: ALMS1: BP4

Clinical Genomics Laboratory, Stanford Medicine
Classification: Uncertain significance for Alstrom syndrome. Last evaluated: 2021-06-03. Review status: criteria provided, single submitter. Criteria: ACMG Guidelines, 2015. Collection method: clinical testing. Allele origin: germline. Affected: yes. Observed: 1 heterozygote.
Comment: The p.Gly3691= (also referred to as p.Gly3689=) variant in the ALMS1 gene has not been previously reported in association with disease. This variant has been identified in 11/24,094 African/African-American chromosomes and 71/280,328 total chromosomes by the Genome Aggregation Database. This variant occurs in exon 16 and some computational tools predict the creation of a cryptic splice site, while other computational tools do not predict an impact to splicing. However, the accuracy of these computational tools is limited. The nucleotide at position c.11073 is not evolutionarily conserved and >6 mammalian species have a T at this position. These data were assessed using the ACMG/AMP variant interpretation guidelines. In summary, the significance of the p.Gly3691= variant is uncertain. Additional information is needed to resolve the significance of this variant. [ACMG evidence codes used: none]

Natera, Inc.
Classification: Likely benign for Alstrom syndrome. Last evaluated: 2020-09-02. Review status: no assertion criteria provided. Collection method: clinical testing. Allele origin: germline. Not counted in ClinVar's aggregate classification.